The following is an entry in ClinVar:

NM_001287491.2(TET3):c.5121_5122dup (p.Leu1708fs)

Gene: TET3 (tet methylcytosine dioxygenase 3; plus strand). Cytogenetic location: 2p13.1.
Variant type: Duplication.
Coding change: c.5121_5122dup on transcript NM_001287491.2 (MANE Select); coding-DNA positions 5121 to 5122, 2 bases duplicated (CC; older notation c.5121_5122dupCC).
Protein change: p.Leu1708fs; shifts the reading frame from leucine 1708.
Molecular consequence: frameshift variant.
Genome position (GRCh38, 1-based): chr2:74,101,909-74,101,910, CC duplicated; duplicating any 2 consecutive bases within chr2:74,101,908-74,101,910 gives the same sequence; the c. name uses the placement nearest the transcript's 3' end. VCF-style (leftmost placement, unchanged base first): chr2-74101907-G-GCC. GRCh37 (hg19) VCF-style: chr2-74329034-G-GCC.
Other names: c.4842_4843dup, p.Leu1615fs (NM_001366022.1); short protein forms L1615fs, L1708fs.
Identifiers: ClinVar variation 1513490 (VCV001513490.6), dbSNP rs2104234030, ClinGen allele CA2573135825.

ClinVar aggregate classification (germline): Likely pathogenic (1 of 4 stars; one submission).

Submission:

Labcorp Genetics (formerly Invitae), Labcorp
Classification: Likely pathogenic. Last evaluated: 2023-06-08. Review status: criteria provided, single submitter. Criteria: Invitae Variant Classification Sherloc (09022015). Collection method: clinical testing. Allele origin: germline.
Comment: In summary, the currently available evidence indicates that the variant is pathogenic, but additional data are needed to prove that conclusively. Therefore, this variant has been classified as Likely Pathogenic. ClinVar contains an entry for this variant (Variation ID: 1513490). This premature translational stop signal has been observed in individual(s) with clinical features of TET3-related conditions (Invitae). In at least one individual the variant was observed to be de novo. This variant is not present in population databases (gnomAD no frequency). This sequence change creates a premature translational stop signal (p.Leu1708Profs*7) in the TET3 gene. While this is not anticipated to result in nonsense mediated decay, it is expected to disrupt the last 88 amino acid(s) of the TET3 protein.